The following is an entry in ClinVar:

ClinVar aggregate classification (germline): Uncertain significance (1 of 4 stars; one submission).

Allele frequency attached by ClinVar (database versions not stated): gnomAD exomes 0.00001; ExAC 0.00002; gnomAD 0.00002; TOPMed 0.00002.

Submission:

Labcorp Genetics (formerly Invitae), Labcorp
Classification: Uncertain significance. Last evaluated: 2023-05-22. Review status: criteria provided, single submitter. Criteria: Invitae Variant Classification Sherloc (09022015). Collection method: clinical testing. Allele origin: germline.
Comment: This variant is present in population databases (rs762414533, gnomAD 0.009%). In summary, the available evidence is currently insufficient to determine the role of this variant in disease. Therefore, it has been classified as a Variant of Uncertain Significance. An algorithm developed to predict the effect of missense changes on protein structure and function (PolyPhen-2) suggests that this variant is likely to be tolerated. This variant has not been reported in the literature in individuals affected with KLF11-related conditions. This sequence change replaces valine, which is neutral and non-polar, with leucine, which is neutral and non-polar, at codon 163 of the KLF11 protein (p.Val163Leu).

NM_003597.5(KLF11):c.487G>C (p.Val163Leu)

Gene: KLF11 (KLF transcription factor 11; plus strand). Cytogenetic location: 2p25.1.
Variant type: single nucleotide variant.
Coding change: c.487G>C on transcript NM_003597.5 (MANE Select); coding-DNA position 487, G replaced by C.
Protein change: p.Val163Leu; replaces valine 163 with leucine.
Molecular consequence: missense variant.
Genome position (GRCh38, 1-based): chr2:10,047,824, G>C. VCF-style: chr2-10047824-G-C. GRCh37 (hg19) VCF-style: chr2-10187951-G-C.
Other names: c.436G>C, p.Val146Leu (NM_001177716.2, NM_001177718.2); short protein forms V146L, V163L.
Identifiers: ClinVar variation 2890457 (VCV002890457.3), dbSNP rs762414533, ClinGen allele CA1525522.